The following is an entry in ClinVar:

NM_032447.5(FBN3):c.3613del (p.Arg1205fs)

Gene: FBN3 (fibrillin 3; minus strand). Cytogenetic location: 19p13.2.
Variant type: Deletion.
Coding change: c.3613del on transcript NM_032447.5 (MANE Select); coding-DNA position 3613, one base deleted (C; older notation c.3613delC).
Protein change: p.Arg1205fs; shifts the reading frame from arginine 1205.
Molecular consequence: frameshift variant.
Genome position (GRCh38, 1-based): chr19:8,116,773, G deleted on the plus strand (C on the coding strand, the reverse complement: FBN3 is on the minus strand); the first of 5 consecutive G bases (chr19:8,116,773-8,116,777); deleting any one gives the same sequence. VCF-style (leftmost placement, unchanged base first): chr19-8116772-CG-C. GRCh37 (hg19) VCF-style: chr19-8181656-CG-C.
Other names: c.3613del, p.Arg1205fs (NM_001321431.2); short protein forms R1205fs.
Identifiers: ClinVar variation 3708313 (VCV003708313.2).

ClinVar aggregate classification (germline): Uncertain significance (1 of 4 stars; one submission).

Submission:

Labcorp Genetics (formerly Invitae), Labcorp
Classification: Uncertain significance. Last evaluated: 2024-12-23. Review status: criteria provided, single submitter. Criteria: Invitae Variant Classification Sherloc (09022015). Collection method: clinical testing. Allele origin: germline.
Comment: This sequence change creates a premature translational stop signal (p.Arg1205Alafs*29) in the FBN3 gene. It is expected to result in an absent or disrupted protein product. However, the current clinical and genetic evidence is not sufficient to establish whether loss-of-function variants in FBN3 cause disease. This variant is present in population databases (no rsID available, gnomAD 0.002%). This variant has not been reported in the literature in individuals affected with FBN3-related conditions. In summary, the available evidence is currently insufficient to determine the role of this variant in disease. Therefore, it has been classified as a Variant of Uncertain Significance.